The following is an entry in ClinVar:

NM_001375524.1(TRRAP):c.8081C>T (p.Pro2694Leu)

Gene: TRRAP (transformation/transcription domain associated protein; plus strand). Cytogenetic location: 7q22.1.
Variant type: single nucleotide variant.
Coding change: c.8081C>T on transcript NM_001375524.1 (MANE Select); coding-DNA position 8081, C replaced by T.
Protein change: p.Pro2694Leu; replaces proline 2694 with leucine.
Molecular consequence: missense variant.
Genome position (GRCh38, 1-based): chr7:98,976,604, C>T. VCF-style: chr7-98976604-C-T. GRCh37 (hg19) VCF-style: chr7-98574227-C-T.
Other names: c.8060C>T (NM_001244580.1); c.8060C>T, p.Pro2687Leu (NM_001244580.2); c.8006C>T, p.Pro2669Leu (NM_003496.4); short protein forms P2669L, P2687L, P2694L.
Identifiers: ClinVar variation 3620866 (VCV003620866.3).

ClinVar aggregate classification (germline): Uncertain significance. Review status: criteria provided, multiple submitters, no conflicts (2 of 4 stars). 2 submissions from 2 submitters: Uncertain significance (2). Last evaluated 2025-08-23.

Conditions:
Inborn genetic diseases. Identifiers: MedGen C0950123, MeSH D030342.

gnomAD v4.1: 4 of 1,614,102 alleles (0.00025%); highest among the groups gnomAD compares: Non-Finnish European, 0.00034%; no homozygotes.

Submissions (2):

Ambry Genetics
Classification: Uncertain significance for Inborn genetic diseases. Last evaluated: 2025-08-23. Review status: criteria provided, single submitter. Criteria: Ambry Variant Classification Scheme 2023. Collection method: clinical testing. Allele origin: germline.

Labcorp Genetics (formerly Invitae), Labcorp
Classification: Uncertain significance. Last evaluated: 2024-10-24. Review status: criteria provided, single submitter. Criteria: Invitae Variant Classification Sherloc (09022015). Collection method: clinical testing. Allele origin: germline.
Comment: This sequence change replaces proline, which is neutral and non-polar, with leucine, which is neutral and non-polar, at codon 2669 of the TRRAP protein (p.Pro2669Leu). This variant is present in population databases (rs370103712, gnomAD 0.0009%). This variant has not been reported in the literature in individuals affected with TRRAP-related conditions. Invitae Evidence Modeling of protein sequence and biophysical properties (such as structural, functional, and spatial information, amino acid conservation, physicochemical variation, residue mobility, and thermodynamic stability) indicates that this missense variant is not expected to disrupt TRRAP protein function with a negative predictive value of 80%. In summary, the available evidence is currently insufficient to determine the role of this variant in disease. Therefore, it has been classified as a Variant of Uncertain Significance.